The following is an entry in ClinVar:

ClinVar aggregate classification (germline): Uncertain significance. Review status: criteria provided, single submitter (1 of 4 stars). 2 submissions from 2 submitters: Uncertain significance (1). 1 of the submissions does not count toward it. Last evaluated 2023-07-17.

Conditions:
PLXNA2-related disorder. Also called: PLXNA2-related condition.

Allele frequency attached by ClinVar (database versions not stated): ExAC 0.00001; gnomAD 0.00001; ESP Exome Variant Server 0.00008.
gnomAD v4.1: 10 of 1,608,566 alleles (0.00062%); highest among the groups gnomAD compares: Admixed American, 0.0017%; no homozygotes.

Submissions (2):

Labcorp Genetics (formerly Invitae), Labcorp
Classification: Uncertain significance. Last evaluated: 2023-07-17. Review status: criteria provided, single submitter. Criteria: Invitae Variant Classification Sherloc (09022015). Collection method: clinical testing. Allele origin: germline.
Comment: In summary, the available evidence is currently insufficient to determine the role of this variant in disease. Therefore, it has been classified as a Variant of Uncertain Significance. Algorithms developed to predict the effect of sequence changes on RNA splicing suggest that this variant may create or strengthen a splice site. This variant has not been reported in the literature in individuals affected with PLXNA2-related conditions. This variant is present in population databases (rs367938573, gnomAD 0.0009%). This sequence change falls in intron 19 of the PLXNA2 gene. It does not directly change the encoded amino acid sequence of the PLXNA2 protein.

PreventionGenetics, part of Exact Sciences
Classification: Likely benign for PLXNA2-related condition. Last evaluated: 2022-06-07. Review status: no assertion criteria provided. Collection method: clinical testing. Allele origin: germline. Not counted in ClinVar's aggregate classification.
Comment: This variant is classified as likely benign based on ACMG/AMP sequence variant interpretation guidelines (Richards et al. 2015 PMID: 25741868, with internal and published modifications).

NM_025179.4(PLXNA2):c.3640-5C>G

Gene: PLXNA2 (plexin A2; minus strand). Cytogenetic location: 1q32.2.
Variant type: single nucleotide variant.
Coding change: c.3640-5C>G on transcript NM_025179.4 (MANE Select); 5 bases into the intron before coding-DNA position 3640, C replaced by G.
Molecular consequence: intron variant.
Genome position (GRCh38, 1-based): chr1:208,044,747, G>C on the plus strand (C>G on the coding strand, the complement: PLXNA2 is on the minus strand). VCF-style: chr1-208044747-G-C. GRCh37 (hg19) VCF-style: chr1-208218092-G-C.
Other names: c.3640-5C>G (NM_025179.3).
Identifiers: ClinVar variation 2777852 (VCV002777852.4), dbSNP rs367938573, ClinGen allele CA1373106.